The following is an entry in ClinVar:

NM_002661.5(PLCG2):c.23A>T (p.Asp8Val)

Gene: PLCG2 (phospholipase C gamma 2; plus strand). Cytogenetic location: 16q23.3.
Variant type: single nucleotide variant.
Coding change: c.23A>T on transcript NM_002661.5 (MANE Select); coding-DNA position 23, A replaced by T.
Protein change: p.Asp8Val; replaces aspartic acid 8 with valine.
Molecular consequence: missense variant.
Genome position (GRCh38, 1-based): chr16:81,786,012, A>T. VCF-style: chr16-81786012-A-T. GRCh37 (hg19) VCF-style: chr16-81819617-A-T.
Other names: c.23A>T, p.Asp8Val (NM_001425749.1, NM_001425750.1, NM_001425751.1); short protein forms D8V.
Identifiers: ClinVar variation 2850783 (VCV002850783.3), dbSNP rs2507343685, ClinGen allele CA396895305.

ClinVar aggregate classification (germline): Uncertain significance (1 of 4 stars; one submission).

Conditions:
Familial cold autoinflammatory syndrome 3 (FCAS3). Also called: ANTIBODY DEFICIENCY AND IMMUNE DYSREGULATION, PLCG2-ASSOCIATED; FAMILIAL ATYPICAL COLD URTICARIA. Identifiers: Orphanet 300359, MedGen C3280914, MONDO:0013766, OMIM 614468.

Submission:

Labcorp Genetics (formerly Invitae), Labcorp
Classification: Uncertain significance for Familial cold autoinflammatory syndrome 3. Last evaluated: 2023-03-29. Review status: criteria provided, single submitter. Criteria: Invitae Variant Classification Sherloc (09022015). Collection method: clinical testing. Allele origin: germline.
Comment: In summary, the available evidence is currently insufficient to determine the role of this variant in disease. Therefore, it has been classified as a Variant of Uncertain Significance. This sequence change replaces aspartic acid, which is acidic and polar, with valine, which is neutral and non-polar, at codon 8 of the PLCG2 protein (p.Asp8Val). This variant is not present in population databases (gnomAD no frequency). This variant has not been reported in the literature in individuals affected with PLCG2-related conditions. An algorithm developed to predict the effect of missense changes on protein structure and function (PolyPhen-2) suggests that this variant is likely to be tolerated.